The following is an entry in ClinVar:

NM_014314.4(RIGI):c.180C>G (p.Phe60Leu)

Gene: RIGI (RNA sensor RIG-I; minus strand). Cytogenetic location: 9p21.1.
Variant type: single nucleotide variant.
Coding change: c.180C>G on transcript NM_014314.4 (MANE Select); coding-DNA position 180, C replaced by G.
Protein change: p.Phe60Leu; replaces phenylalanine 60 with leucine.
Molecular consequence: missense variant. On other transcripts: 5 prime UTR variant (3).
Genome position (GRCh38, 1-based): chr9:32,500,866, G>C on the plus strand (C>G on the coding strand, the complement: RIGI is on the minus strand). VCF-style: chr9-32500866-G-C. GRCh37 (hg19) VCF-style: chr9-32500864-G-C.
Other names: c.180C>G, p.Phe60Leu (NM_001385907.1, NM_001385909.1, NM_001385913.1); c.-275C>G (NM_001385910.1, NM_001385914.1); c.-282C>G (NM_001385912.1); short protein forms F60L.
Identifiers: ClinVar variation 2084018 (VCV002084018.4), dbSNP rs2489355146, ClinGen allele CA373143165.

ClinVar aggregate classification (germline): Uncertain significance (1 of 4 stars; one submission).

Submission:

Labcorp Genetics (formerly Invitae), Labcorp
Classification: Uncertain significance. Last evaluated: 2022-01-15. Review status: criteria provided, single submitter. Criteria: Invitae Variant Classification Sherloc (09022015). Collection method: clinical testing. Allele origin: germline.
Comment: In summary, the available evidence is currently insufficient to determine the role of this variant in disease. Therefore, it has been classified as a Variant of Uncertain Significance. Algorithms developed to predict the effect of missense changes on protein structure and function output the following: SIFT: "Tolerated"; PolyPhen-2: "Benign"; Align-GVGD: "Class C0". The leucine amino acid residue is found in multiple mammalian species, which suggests that this missense change does not adversely affect protein function. This variant has not been reported in the literature in individuals affected with DDX58-related conditions. This variant is not present in population databases (gnomAD no frequency). This sequence change replaces phenylalanine, which is neutral and non-polar, with leucine, which is neutral and non-polar, at codon 60 of the DDX58 protein (p.Phe60Leu).